The following is an entry in ClinVar:

ClinVar aggregate classification (germline): Uncertain significance (1 of 4 stars; one submission).

Submission:

Labcorp Genetics (formerly Invitae), Labcorp
Classification: Uncertain significance. Last evaluated: 2022-09-12. Review status: criteria provided, single submitter. Criteria: Invitae Variant Classification Sherloc (09022015). Collection method: clinical testing. Allele origin: germline.
Comment: Advanced modeling of protein sequence and biophysical properties (such as structural, functional, and spatial information, amino acid conservation, physicochemical variation, residue mobility, and thermodynamic stability) performed at Invitae indicates that this missense variant is expected to disrupt SBF1 protein function. This sequence change replaces tryptophan, which is neutral and slightly polar, with arginine, which is basic and polar, at codon 1804 of the SBF1 protein (p.Trp1804Arg). This variant is not present in population databases (gnomAD no frequency). This variant has not been reported in the literature in individuals affected with SBF1-related conditions. ClinVar contains an entry for this variant (Variation ID: 1420248). In summary, the available evidence is currently insufficient to determine the role of this variant in disease. Therefore, it has been classified as a Variant of Uncertain Significance.

NM_002972.4(SBF1):c.5410T>C (p.Trp1804Arg)

Gene: SBF1 (SET binding factor 1; minus strand). Cytogenetic location: 22q13.33.
Variant type: single nucleotide variant.
Coding change: c.5410T>C on transcript NM_002972.4 (MANE Select); coding-DNA position 5410, T replaced by C.
Protein change: p.Trp1804Arg; replaces tryptophan 1804 with arginine.
Molecular consequence: missense variant.
Genome position (GRCh38, 1-based): chr22:50,447,563, A>G on the plus strand (T>C on the coding strand, the complement: SBF1 is on the minus strand). VCF-style: chr22-50447563-A-G. GRCh37 (hg19) VCF-style: chr22-50885992-A-G.
Other names: c.5335T>C, p.Trp1779Arg (NM_001365819.1); short protein forms W1779R, W1804R.
Identifiers: ClinVar variation 1420248 (VCV001420248.6), dbSNP rs2148550066, ClinGen allele CA412184967.